The following is an entry in ClinVar:

NM_181426.2(CCDC39):c.610-2A>G

Gene: CCDC39 (coiled-coil domain 39 molecular ruler complex subunit; minus strand). Cytogenetic location: 3q26.33.
Variant type: single nucleotide variant.
Coding change: c.610-2A>G on transcript NM_181426.2 (MANE Select); the canonical splice acceptor site of the intron before coding-DNA position 610, A replaced by G.
Molecular consequence: splice acceptor variant.
Genome position (GRCh38, 1-based): chr3:180,659,582, T>C on the plus strand (A>G on the coding strand, the complement: CCDC39 is on the minus strand). VCF-style: chr3-180659582-T-C. GRCh37 (hg19) VCF-style: chr3-180377370-T-C.
Identifiers: ClinVar variation 216140 (VCV000216140.21), dbSNP rs756235547, ClinGen allele CA339257.

ClinVar aggregate classification (germline): Pathogenic. Review status: criteria provided, multiple submitters, no conflicts (2 of 4 stars). 7 submissions from 7 submitters: Pathogenic (6). 1 of the submissions does not count toward it. Last evaluated 2026-01-06.

Conditions:
CCDC39-related disorder. Also called: CCDC39-related condition.
Primary ciliary dyskinesia. Also called: Ciliary dyskinesia. Identifiers: Orphanet 244, MedGen C0008780, MONDO:0016575, HP:0012265.
Primary ciliary dyskinesia 14. Also called: CILIARY DYSKINESIA, PRIMARY, 14, WITH OR WITHOUT SITUS INVERSUS. Identifiers: Orphanet 244, MedGen C3151136, MONDO:0013434, OMIM 613807.

Allele frequency attached by ClinVar (database versions not stated): TOPMed 0.00008; gnomAD 0.00009; gnomAD exomes 0.00012; ExAC 0.00014.
gnomAD v4.1: 173 of 1,610,186 alleles (0.011%); highest among the groups gnomAD compares: Non-Finnish European, 0.014%; no homozygotes.

Submissions (7):

Labcorp Genetics (formerly Invitae), Labcorp
Classification: Pathogenic for Primary ciliary dyskinesia. Last evaluated: 2026-01-06. Review status: criteria provided, single submitter. Criteria: Invitae Variant Classification Sherloc (09022015). Collection method: clinical testing. Allele origin: germline.
Comment: This sequence change affects an acceptor splice site in intron 5 of the CCDC39 gene. It is expected to disrupt RNA splicing. Variants that disrupt the donor or acceptor splice site typically lead to a loss of protein function (PMID: 16199547), and loss-of-function variants in CCDC39 are known to be pathogenic (PMID: 21131972, 23255504). This variant is present in population databases (rs756235547, gnomAD 0.02%). Disruption of this splice site has been observed in individual(s) with primary ciliary dyskinesia (PMID: 21131972, 22693285, 23891469). ClinVar contains an entry for this variant (Variation ID: 216140). Algorithms developed to predict the effect of sequence changes on RNA splicing suggest that this variant may disrupt the consensus splice site. For these reasons, this variant has been classified as Pathogenic.

Fulgent Genetics
Classification: Pathogenic for Primary ciliary dyskinesia 14. Last evaluated: 2024-04-26. Review status: criteria provided, single submitter. Criteria: ACMG Guidelines, 2015. Collection method: clinical testing. Allele origin: germline.

Blueprint Genetics
Classification: Pathogenic for CCDC39-related disorders. Last evaluated: 2024-02-16. Review status: criteria provided, single submitter. Criteria: ACMG Guidelines, 2015. Collection method: clinical testing. Allele origin: germline. Affected: yes. Observed: 5 variant alleles.

Victorian Clinical Genetics Services, Murdoch Childrens Research Institute
Classification: Pathogenic for Primary ciliary dyskinesia 14. Last evaluated: 2022-02-02. Review status: criteria provided, single submitter. Criteria: ACMG Guidelines, 2015. Collection method: clinical testing. Allele origin: germline. Inheritance: Autosomal recessive inheritance. Affected: yes.
Comment: Based on the classification scheme VCGS_Germline_v1.3.4, this variant is classified as Pathogenic. Following criteria are met: 0102 - Loss of function is a known mechanism of disease in this gene and is associated with ciliary dyskinesia, primary, 14 (MIM#613807). (I) 0106 - This gene is associated with autosomal recessive disease. (I) 0211 - Canonical splice site variant without proven consequence on splicing (no functional evidence available). (SP) 0252 - This variant is homozygous. (I) 0304 - Variant is present in gnomAD <0.01 for a recessive condition (v2: 31 heterozygotes, 0 homozygotes). (SP) 0508 - In silico predictions for abnormal splicing are inconclusive. (I) 0705 - No comparable canonical splice site variants have previous evidence for pathogenicity. (I) 0801 - This variant has strong previous evidence of pathogenicity in unrelated individuals. This variant has been reported in homozygous and compound heterozygous state in multiple individuals with ciliary dyskinesia, primary, 14 (MIM#613807) (Clinvar; PMID: 22693285, 29748307, 30067075). (SP) 0905 - No published segregation evidence has been identified for this variant. (I) 1007 - No published functional evidence has been identified for this variant. (I) 1209 - This variant has been shown to be both maternally and paternally inherited (biallelic). (I) Legend: (SP) - Supporting pathogenic, (I) - Information, (SB) - Supporting benign

Revvity Omics, Revvity
Classification: Pathogenic for Primary ciliary dyskinesia 14. Last evaluated: 2020-12-13. Review status: criteria provided, single submitter. Criteria: ACMG Guidelines, 2015. Collection method: clinical testing. Allele origin: germline.

Ambry Genetics
Classification: Pathogenic for Primary ciliary dyskinesia. Last evaluated: 2017-08-08. Review status: criteria provided, single submitter. Criteria: Ambry Variant Classification Scheme 2023. Collection method: clinical testing. Allele origin: germline.
Comment: The c.610-2A>G intronic pathogenic mutation results from an A to G substitution two nucleotides upstream from coding exon 6 in the CCDC39 gene. This mutation was confirmed in trans with a second splice alteration in an individual with Kartagener syndrome and axenomal disorganization on electron microscopy (Merveille AC et al. Nat. Genet., 2011 Jan;43:72-8). It was also identified in conjunction with a frameshift alteration in a primary ciliary dskinesia family with inner dynein arm defects and microtubule disorganization on electron microscopy (Zariwala MA et al. Am. J. Hum. Genet., 2013 Aug;93:336-45). In addition to the clinical data presented in the literature, alterations that disrupt the canonical splice site are expected to cause aberrant splicing, resulting in an abnormal protein or a transcript that is subject to nonsense-mediated mRNA decay. As such, this alteration is classified as a disease-causing mutation.

Yale Center for Mendelian Genomics, Yale University
Classification: Likely pathogenic for Primary ciliary dyskinesia. Last evaluated: 2018-08-01. Review status: no assertion criteria provided. Collection method: literature only. Allele origin: germline. Affected: yes. Observed: 2 compound heterozygotes. Study: Yale Center for Mendelian Genomics. Not counted in ClinVar's aggregate classification.

Literature cited by the submitters: PubMed 16199547 (cited by Labcorp Genetics (formerly Invitae), Labcorp); PubMed 21131972 (cited by Labcorp Genetics (formerly Invitae), Labcorp and Ambry Genetics); PubMed 23255504 (cited by Labcorp Genetics (formerly Invitae), Labcorp); PubMed 22693285 (cited by Labcorp Genetics (formerly Invitae), Labcorp and Victorian Clinical Genetics Services, Murdoch Childrens Research Institute); PubMed 23891469 (cited by Labcorp Genetics (formerly Invitae), Labcorp and Ambry Genetics); PubMed 29748307 (cited by Victorian Clinical Genetics Services, Murdoch Childrens Research Institute); PubMed 30067075 (cited by Victorian Clinical Genetics Services, Murdoch Childrens Research Institute and Yale Center for Mendelian Genomics, Yale University).